The following is an entry in ClinVar:

ClinVar aggregate classification (germline): Likely pathogenic (1 of 4 stars; one submission).

Submission:

Quest Diagnostics Nichols Institute San Juan Capistrano
Classification: Likely pathogenic. Last evaluated: 2023-05-08. Review status: criteria provided, single submitter. Criteria: ACMG/ClinGen CNV Guidelines, 2019. Collection method: clinical testing. Allele origin: unknown.
Comment: The 1.7 Mb gain of 2q13 region is a recurring duplication which has been associated with an increased risk for various neurodevelopmental disorders. However, inheritance from healthy or mildly affected carriers is common. Currently, the recurrent 2q13 duplication is best interpreted as a susceptibility locus with variable phenotypic expressivity and incomplete penetrance, possibly influenced by additional genetic or non-genetic modifiers. This copy number gain is interpreted as likely pathogenic. References: Costain et al. Am J Med Genet B Neuropsychiatr Genet 2014;165B(4):337-44. PMID: 24807792. Riley et al. Am J Med Genet A 2015;167A(11):2664-73, PMID: 26227573. Wolfe et al. Am J Med Genet B Neuropsychiatr Genet 2018;177(4):397-405. PMID: 29603867.

GRCh37/hg19 2q13(chr2:111397786-113111856)x3

Genes: ACOXL (acyl-CoA oxidase like; plus strand), ANAPC1 (anaphase promoting complex subunit 1; minus strand), BCL2L11 (BCL2 like 11; plus strand), BUB1 (BUB1 mitotic checkpoint serine/threonine kinase; minus strand), FBLN7 (fibulin 7; plus strand) and 4 more. Cytogenetic location: 2q13.
Variant type: copy number gain.
Change: copy number 3 (three copies instead of two) of chr2:111,397,786-113,111,856 (1.71 Mb, GRCh37 coordinates, 1-based), cytogenetic band 2q13.
Identifiers: ClinVar variation 1808613 (VCV001808613.2).